The following is an entry in ClinVar:

ClinVar aggregate classification (germline): Uncertain significance (1 of 4 stars; one submission).

Submission:

Labcorp Genetics (formerly Invitae), Labcorp
Classification: Uncertain significance. Last evaluated: 2024-09-03. Review status: criteria provided, single submitter. Criteria: Invitae Variant Classification Sherloc (09022015). Collection method: clinical testing. Allele origin: germline.
Comment: This sequence change replaces proline, which is neutral and non-polar, with threonine, which is neutral and polar, at codon 202 of the COL2A1 protein (p.Pro202Thr). This variant is not present in population databases (gnomAD no frequency). This variant has not been reported in the literature in individuals affected with COL2A1-related conditions. Invitae Evidence Modeling of protein sequence and biophysical properties (such as structural, functional, and spatial information, amino acid conservation, physicochemical variation, residue mobility, and thermodynamic stability) indicates that this missense variant is not expected to disrupt COL2A1 protein function with a negative predictive value of 95%. In summary, the available evidence is currently insufficient to determine the role of this variant in disease. Therefore, it has been classified as a Variant of Uncertain Significance.

NM_001844.5(COL2A1):c.604C>A (p.Pro202Thr)

Gene: COL2A1 (collagen type II alpha 1 chain; minus strand). Cytogenetic location: 12q13.11.
Variant type: single nucleotide variant.
Coding change: c.604C>A on transcript NM_001844.5 (MANE Select); coding-DNA position 604, C replaced by A.
Protein change: p.Pro202Thr; replaces proline 202 with threonine.
Molecular consequence: missense variant.
Genome position (GRCh38, 1-based): chr12:47,996,553, G>T on the plus strand (C>A on the coding strand, the complement: COL2A1 is on the minus strand). VCF-style: chr12-47996553-G-T. GRCh37 (hg19) VCF-style: chr12-48390336-G-T.
Other names: c.397C>A, p.Pro133Thr (NM_033150.3); short protein forms P202T, P133T.
Identifiers: ClinVar variation 3682803 (VCV003682803.2).